The following is an entry in ClinVar:

ClinVar aggregate classification (germline): Uncertain significance (1 of 4 stars; one submission).

Allele frequency attached by ClinVar (database versions not stated): gnomAD exomes below 0.00001.
gnomAD v4.1: 2 of 1,614,152 alleles (0.00012%); highest among the groups gnomAD compares: Non-Finnish European, 0.00017%; no homozygotes.

Submission:

Labcorp Genetics (formerly Invitae), Labcorp
Classification: Uncertain significance. Last evaluated: 2023-11-22. Review status: criteria provided, single submitter. Criteria: Invitae Variant Classification Sherloc (09022015). Collection method: clinical testing. Allele origin: germline.
Comment: This sequence change replaces serine, which is neutral and polar, with asparagine, which is neutral and polar, at codon 1265 of the KMT2E protein (p.Ser1265Asn). This variant is not present in population databases (gnomAD no frequency). This variant has not been reported in the literature in individuals affected with KMT2E-related conditions. ClinVar contains an entry for this variant (Variation ID: 2087634). Advanced modeling of protein sequence and biophysical properties (such as structural, functional, and spatial information, amino acid conservation, physicochemical variation, residue mobility, and thermodynamic stability) performed at Invitae indicates that this missense variant is not expected to disrupt KMT2E protein function with a negative predictive value of 80%. In summary, the available evidence is currently insufficient to determine the role of this variant in disease. Therefore, it has been classified as a Variant of Uncertain Significance.

NM_182931.3(KMT2E):c.3794G>A (p.Ser1265Asn)

Gene: KMT2E (lysine methyltransferase 2E (inactive); plus strand). Cytogenetic location: 7q22.3.
Variant type: single nucleotide variant.
Coding change: c.3794G>A on transcript NM_182931.3 (MANE Select); coding-DNA position 3794, G replaced by A.
Protein change: p.Ser1265Asn; replaces serine 1265 with asparagine.
Molecular consequence: missense variant.
Genome position (GRCh38, 1-based): chr7:105,110,318, G>A. VCF-style: chr7-105110318-G-A. GRCh37 (hg19) VCF-style: chr7-104750765-G-A.
Other names: c.3794G>A, p.Ser1265Asn (NM_001410908.1, NM_018682.4); short protein forms S1265N.
Identifiers: ClinVar variation 2087634 (VCV002087634.4), dbSNP rs908784676, ClinGen allele CA164022484.